The following is an entry in ClinVar:

ClinVar aggregate classification (germline): Uncertain significance (1 of 4 stars; one submission).

Conditions:
Charcot-Marie-Tooth disease type 4. Also called: Charcot-Marie-Tooth, Type 4; Charcot-Marie-Tooth disease, type IV. Identifiers: Orphanet 64749, MedGen C4082197, MONDO:0018995.

Allele frequency attached by ClinVar (database versions not stated): gnomAD 0.00001; TOPMed 0.00001.

Submission:

Labcorp Genetics (formerly Invitae), Labcorp
Classification: Uncertain significance for Charcot-Marie-Tooth disease type 4. Last evaluated: 2022-07-01. Review status: criteria provided, single submitter. Criteria: Invitae Variant Classification Sherloc (09022015). Collection method: clinical testing. Allele origin: germline.
Comment: This sequence change replaces valine, which is neutral and non-polar, with methionine, which is neutral and non-polar, at codon 442 of the PRX protein (p.Val442Met). This variant is present in population databases (no rsID available, gnomAD 0.002%). This variant has not been reported in the literature in individuals affected with PRX-related conditions. Algorithms developed to predict the effect of missense changes on protein structure and function output the following: SIFT: "Deleterious"; PolyPhen-2: "Possibly Damaging"; Align-GVGD: "Class C0". The methionine amino acid residue is found in multiple mammalian species, which suggests that this missense change does not adversely affect protein function. In summary, the available evidence is currently insufficient to determine the role of this variant in disease. Therefore, it has been classified as a Variant of Uncertain Significance.

NM_181882.3(PRX):c.1324G>A (p.Val442Met)

Gene: PRX (periaxin; minus strand). Cytogenetic location: 19q13.2.
Variant type: single nucleotide variant.
Coding change: c.1324G>A on transcript NM_181882.3 (MANE Select); coding-DNA position 1324, G replaced by A.
Protein change: p.Val442Met; replaces valine 442 with methionine.
Molecular consequence: missense variant. On other transcripts: 3 prime UTR variant (1).
Genome position (GRCh38, 1-based): chr19:40,397,028, C>T on the plus strand (G>A on the coding strand, the complement: PRX is on the minus strand). VCF-style: chr19-40397028-C-T. GRCh37 (hg19) VCF-style: chr19-40902935-C-T.
Other names: c.1609G>A, p.Val537Met (NM_001411127.1); c.*1529G>A (NM_020956.2); short protein forms V442M, V537M.
Identifiers: ClinVar variation 1906880 (VCV001906880.2), dbSNP rs1415344318, ClinGen allele CA405898627.